The following is an entry in ClinVar:

NM_020975.6(RET):c.1337G>T (p.Gly446Val)

Gene: RET (ret proto-oncogene; plus strand). Cytogenetic location: 10q11.21.
Variant type: single nucleotide variant.
Coding change: c.1337G>T on transcript NM_020975.6 (MANE Select); coding-DNA position 1337, G replaced by T.
Protein change: p.Gly446Val; replaces glycine 446 with valine.
Molecular consequence: missense variant. On other transcripts: intron variant (15).
Genome position (GRCh38, 1-based): chr10:43,111,280, G>T. VCF-style: chr10-43111280-G-T. GRCh37 (hg19) VCF-style: chr10-43606728-G-T.
Other names: c.575G>T, p.Gly192Val (NM_001355216.2); c.1337G>T, p.Gly446Val (NM_001406743.1, NM_001406744.1, NM_001406759.1 and 4 more transcripts); c.1208G>T, p.Gly403Val (NM_001406761.1, NM_001406762.1, NM_001406764.1 and 1 more transcripts); c.1049G>T, p.Gly350Val (NM_001406766.1, NM_001406767.1, NM_001406770.1); c.941G>T, p.Gly314Val (NM_001406769.1, NM_001406772.1); c.899G>T, p.Gly300Val (NM_001406771.1, NM_001406773.1); c.812G>T, p.Gly271Val (NM_001406774.1); c.611G>T, p.Gly204Val (NM_001406775.1, NM_001406776.1, NM_001406777.1 and 1 more transcripts); and 5 more; short protein forms G300V, G403V, G446V, G116V, G204V, G350V, G192V, G314V.
Identifiers: ClinVar variation 4545777 (VCV004545777.1).

ClinVar aggregate classification (germline): Uncertain significance (1 of 4 stars; one submission).

Conditions:
Hereditary cancer-predisposing syndrome. Also called: Tumor predisposition; Hereditary Cancer Syndrome; Hereditary neoplastic syndrome; Neoplastic Syndromes, Hereditary. Identifiers: Orphanet 140162, MedGen C0027672, MeSH D009386, MONDO:0015356.

Submission:

Ambry Genetics
Classification: Uncertain significance for Hereditary cancer-predisposing syndrome. Last evaluated: 2025-12-03. Review status: criteria provided, single submitter. Criteria: Ambry Variant Classification Scheme 2023. Collection method: clinical testing. Allele origin: germline.
Comment: The p.G446V variant (also known as c.1337G>T), located in coding exon 7 of the RET gene, results from a G to T substitution at nucleotide position 1337. The glycine at codon 446 is replaced by valine, an amino acid with dissimilar properties. This amino acid position is conserved. In addition, this alteration is predicted to be tolerated by in silico analysis. Based on the available evidence, the clinical significance of this variant remains unclear.